The following is an entry in ClinVar:

NM_003119.4(SPG7):c.1131G>A (p.Glu377=)

Gene: SPG7 (SPG7 matrix AAA peptidase subunit, paraplegin; plus strand). Cytogenetic location: 16q24.3.
Variant type: single nucleotide variant.
Coding change: c.1131G>A on transcript NM_003119.4 (MANE Select); coding-DNA position 1131, G replaced by A.
Protein change: p.Glu377=; no amino-acid change (glutamic acid 377 retained).
Molecular consequence: synonymous variant.
Genome position (GRCh38, 1-based): chr16:89,532,047, G>A. VCF-style: chr16-89532047-G-A. GRCh37 (hg19) VCF-style: chr16-89598455-G-A.
Other names: c.1131G>A, p.Glu377= (NM_001363850.1, NM_199367.3).
Identifiers: ClinVar variation 5040047 (VCV005040047.1).
Genomic context (GRCh38, chr16:89,532,047, plus strand): 5'-GCTGGCCAAGGCGGTGGCCACGGAGGCTCAGGTGCCCTTCCTGGCGATGGCCGGCCCAGA[G>A]TTCGTGGAGGTCATTGGAGGTAGGTGCTGTGGTTGGGGGCTGTGGGTGGGCTTGGCTGAC-3'
Protein context (NP_003110.1, residues 367-387): QVPFLAMAGP[Glu377=]FVEVIGGLGA

ClinVar aggregate classification (germline): Likely benign (1 of 4 stars; one submission).

Submission:

CeGaT Center for Human Genetics Tuebingen
Classification: Likely benign. Last evaluated: 2026-07-01. Review status: criteria provided, single submitter. Criteria: CeGaT Center For Human Genetics Tuebingen Variant Classification Criteria Version 2. Collection method: clinical testing. Allele origin: germline. Affected: yes. Observed: 1 variant allele.
Comment: SPG7: PM2:Supporting, BP4, BP7